The following is an entry in ClinVar:

NM_130384.3(ATRIP):c.480A>T (p.Arg160Ser)

Genes: ATRIP (ATR interacting protein; plus strand), ATRIP-TREX1 (ATRIP-TREX1 readthrough; plus strand). Cytogenetic location: 3p21.31.
Variant type: single nucleotide variant.
Coding change: c.480A>T on transcript NM_130384.3 (MANE Select); coding-DNA position 480, A replaced by T.
Protein change: p.Arg160Ser; replaces arginine 160 with serine.
Molecular consequence: missense variant. On other transcripts: non-coding transcript variant (1).
Genome position (GRCh38, 1-based): chr3:48,451,827, A>T. VCF-style: chr3-48451827-A-T. GRCh37 (hg19) VCF-style: chr3-48493233-A-T.
Other names: c.99A>T, p.Arg33Ser (NM_001271022.2); c.201A>T, p.Arg67Ser (NM_001271023.2); c.480A>T, p.Arg160Ser (NM_032166.4); short protein forms R160S, R33S, R67S.
Identifiers: ClinVar variation 4867207 (VCV004867207.1).
Genomic context (GRCh38, chr3:48,451,827, plus strand): 5'-AGAAATTAAAATTTTGCGAGACTCACTACATCAGACGGAATCCGTTCTAGAGGAACAGAG[A>T]AGATCACATTTTCTTCTTGAGCAAGAGAAAACCCAAGCACTCAGTGACAAGGAAAAGGAA-3'
Protein context (NP_569055.1, residues 150-170): HQTESVLEEQ[Arg160Ser]RSHFLLEQEK

ClinVar aggregate classification (germline): Uncertain significance (1 of 4 stars; one submission).

gnomAD v4.1: 1 of 1,612,998 alleles (0.000062%); highest among the groups gnomAD compares: Non-Finnish European, 0.000085%; no homozygotes.

Submission:

Ambry Genetics
Classification: Uncertain significance. Last evaluated: 2026-04-06. Review status: criteria provided, single submitter. Criteria: Ambry Variant Classification Scheme 2023. Collection method: clinical testing. Allele origin: germline.
Comment: The p.R160S variant (also known as c.480A>T), located in coding exon 3 of the ATRIP gene, results from an A to T substitution at nucleotide position 480. The arginine at codon 160 is replaced by serine, an amino acid with dissimilar properties. This amino acid position is conserved. In addition, the in silico prediction for this alteration is inconclusive. Based on the available evidence, the clinical significance of this variant remains unclear.